The following is an entry in ClinVar:

NM_002691.4(POLD1):c.1288A>G (p.Asn430Asp)

Gene: POLD1 (DNA polymerase delta 1, catalytic subunit; plus strand). Cytogenetic location: 19q13.33.
Variant type: single nucleotide variant.
Coding change: c.1288A>G on transcript NM_002691.4 (MANE Select); coding-DNA position 1288, A replaced by G.
Protein change: p.Asn430Asp; replaces asparagine 430 with aspartic acid.
Molecular consequence: missense variant. On other transcripts: non-coding transcript variant (1).
Genome position (GRCh38, 1-based): chr19:50,406,227, A>G. VCF-style: chr19-50406227-A-G. GRCh37 (hg19) VCF-style: chr19-50909484-A-G.
Other names: c.1288A>G, p.Asn430Asp (NM_001256849.1, NM_001308632.1); short protein forms N430D.
Identifiers: ClinVar variation 1390350 (VCV001390350.5), dbSNP rs2122317592, ClinGen allele CA406979802.

ClinVar aggregate classification (germline): Uncertain significance. Review status: criteria provided, multiple submitters, no conflicts (2 of 4 stars). 2 submissions from 2 submitters: Uncertain significance (2). Last evaluated 2022-07-05.

Conditions:
POLD1-related polyposis and colorectal cancer syndrome (CRCS10). Also called: Colorectal cancer, susceptibility to, 10; Colorectal cancer 10; COLORECTAL CANCER, SUSCEPTIBILITY TO, ON CHROMOSOME 19q. Identifiers: Orphanet 220460, MedGen C2675481, MONDO:0012953, OMIM 612591.
Hereditary cancer-predisposing syndrome. Also called: Tumor predisposition; Hereditary Cancer Syndrome; Hereditary neoplastic syndrome; Neoplastic Syndromes, Hereditary. Identifiers: Orphanet 140162, MedGen C0027672, MeSH D009386, MONDO:0015356.

Submissions (2):

Labcorp Genetics (formerly Invitae), Labcorp
Classification: Uncertain significance for POLD1-related polyposis and colorectal cancer syndrome. Last evaluated: 2022-07-05. Review status: criteria provided, single submitter. Criteria: Invitae Variant Classification Sherloc (09022015). Collection method: clinical testing. Allele origin: germline.
Comment: This sequence change replaces asparagine, which is neutral and polar, with aspartic acid, which is acidic and polar, at codon 430 of the POLD1 protein (p.Asn430Asp). This variant is not present in population databases (gnomAD no frequency). This variant has not been reported in the literature in individuals affected with POLD1-related conditions. ClinVar contains an entry for this variant (Variation ID: 1390350). Algorithms developed to predict the effect of missense changes on protein structure and function (SIFT, PolyPhen-2, Align-GVGD) all suggest that this variant is likely to be tolerated. In summary, the available evidence is currently insufficient to determine the role of this variant in disease. Therefore, it has been classified as a Variant of Uncertain Significance.

Ambry Genetics
Classification: Uncertain significance for Hereditary cancer-predisposing syndrome. Last evaluated: 2020-02-05. Review status: criteria provided, single submitter. Criteria: Ambry Variant Classification Scheme 2023. Collection method: clinical testing. Allele origin: germline.
Comment: The p.N430D variant (also known as c.1288A>G), located in coding exon 10 of the POLD1 gene, results from an A to G substitution at nucleotide position 1288. The asparagine at codon 430 is replaced by aspartic acid, an amino acid with highly similar properties. This amino acid position is poorly conserved in available vertebrate species. In addition, this alteration is predicted to be tolerated by in silico analysis. Since supporting evidence is limited at this time, the clinical significance of this alteration remains unclear.